The following is an entry in ClinVar:

ClinVar aggregate classification (germline): Likely benign (1 of 4 stars; one submission).

Submission:

CeGaT Center for Human Genetics Tuebingen
Classification: Likely benign. Last evaluated: 2023-11-01. Review status: criteria provided, single submitter. Criteria: CeGaT Center For Human Genetics Tuebingen Variant Classification Criteria Version 2. Collection method: clinical testing. Allele origin: germline. Affected: yes. Observed: 1 variant allele.
Comment: SHANK3: BS1

NM_001372044.2(SHANK3):c.16GCC[10] (p.Ala13_Pro14insAlaAla)

Gene: SHANK3 (SH3 and multiple ankyrin repeat domains 3; plus strand). Cytogenetic location: 22q13.33.
Variant type: Microsatellite.
Coding change: c.16GCC[10] on transcript NM_001372044.2 (MANE Select); ten copies in a row of the 3-base unit GCC starting at c.16; the reference has eight copies in a row; two copies, 6 bases duplicated.
Protein change: p.Ala13_Pro14insAlaAla.
Molecular consequence: inframe insertion.
Genome position (GRCh38, 1-based): chr22:50,674,448-50,674,453, GCCGCC duplicated; duplicating any 6 consecutive bases within chr22:50,674,429-50,674,453 gives the same sequence; the position shown is the placement nearest the transcript's 3' end. VCF-style (leftmost placement, unchanged base first): chr22-50674428-G-GCGCCGC. GRCh37 (hg19) VCF-style: chr22-51112856-G-GCGCCGC.
Identifiers: ClinVar variation 2672916 (VCV002672916.23), dbSNP rs975668627, ClinGen allele CA515250806.